The following is an entry in ClinVar:

ClinVar aggregate classification (germline): Likely pathogenic (1 of 4 stars; one submission).

Conditions:
Loricrin keratoderma. Also called: Vohwinkel syndrome with ichthyosis. Identifiers: Orphanet 79395, MedGen C1858805, MONDO:0011396, OMIM 604117.

Allele frequency attached by ClinVar (database versions not stated): TOPMed below 0.00001; gnomAD exomes below 0.00001.

Submission:

Dubai Health Genomic Medicine Center, Dubai Health
Classification: Likely pathogenic for Vohwinkel syndrome with ichthyosis. Last evaluated: 2024-10-04. Review status: criteria provided, single submitter. Criteria: ACMG Guidelines, 2015. Collection method: research. Allele origin: germline. Affected: yes.
Comment: PVS1, PM2

NM_000427.3(LORICRIN):c.484G>T (p.Gly162Ter)

Gene: LORICRIN (loricrin cornified envelope precursor protein; plus strand). Cytogenetic location: 1q21.3.
Variant type: single nucleotide variant.
Coding change: c.484G>T on transcript NM_000427.3 (MANE Select); coding-DNA position 484, G replaced by T.
Protein change: p.Gly162Ter; replaces glycine 162 with a stop codon.
Molecular consequence: nonsense.
Genome position (GRCh38, 1-based): chr1:153,261,433, G>T. VCF-style: chr1-153261433-G-T. GRCh37 (hg19) VCF-style: chr1-153233909-G-T.
Other names: short protein forms G162*.
Identifiers: ClinVar variation 1810236 (VCV001810236.2), dbSNP rs1344567623, ClinGen allele CA342506147.
Genomic context (GRCh38, chr1:153,261,433, plus strand): 5'-GGCTGCTTCTCCTCCGGCGGCGGCGGCTTCTCGGGCCAGGCGGTCCAGTGCCAGAGCTAC[G>T]GAGGCGTCTCTAGCGGCGGCTCCTCCGGGGGCGGCTCCGGCTGCTTCTCCAGCGGCGGGG-3'